The following is an entry in ClinVar:

NC_000009.12:g.22103342T>G

Genes: CDKN2B-AS1 (CDKN2B and CDKN2A antisense cis and trans regulatory RNA 1; plus strand), LOC126860596 (BRD4-independent group 4 enhancer GRCh37_chr9:22102887-22104086; plus strand). Cytogenetic location: 9p21.3.
Variant type: single nucleotide variant.
Genome position: GRCh38 VCF-style: chr9-22103342-T-G. GRCh37 (hg19) VCF-style: chr9-22103341-T-G.
Identifiers: ClinVar variation 1288254 (VCV001288254.2), dbSNP rs1537373, ClinGen allele CA15592644.
Genomic context (GRCh38, chr9:22,103,342, plus strand): 5'-CTGGAAGAGTTTAGTGTTGCCCTGCTAAGATCTGGATTTTCTTTTCTGGAGCTTGGCTAT[T>G]GGGGCATTGAGAAGTCCAGCCAGGAGGTTGGTCAGAGGCTAACCCAAAAAGCTTTGCTTA-3'

ClinVar aggregate classification (germline): Benign (1 of 4 stars; one submission).

Allele frequency attached by ClinVar (database versions not stated): gnomAD 0.62661 and 0.62852; TOPMed 0.64489; 1000 Genomes Project 0.67831; 1000 Genomes Project 30x 0.68239.
gnomAD v4.1: 95,154 of 151,974 alleles (63%); highest among the groups gnomAD compares: African/African-American, 89%; 32,077 homozygotes.

Submission:

GeneDx
Classification: Benign. Last evaluated: 2019-10-16. Review status: criteria provided, single submitter. Criteria: GeneDx Variant Classification Process June 2021. Collection method: clinical testing. Allele origin: germline. Affected: yes.
Comment: This variant is associated with the following publications: (PMID: 30604909)